The following is an entry in ClinVar:

ClinVar aggregate classification (germline): Likely benign. Review status: criteria provided, single submitter (1 of 4 stars). 2 submissions from 2 submitters: Likely benign (1). 1 of the submissions does not count toward it. Last evaluated 2023-02-03.

Conditions:
BRIP1-related disorder. Also called: BRIP1-related condition; BRIP1-related disorders. Identifiers: MedGen CN239206.
Familial cancer of breast. Also called: Hereditary breast cancer; BREAST CANCER, FAMILIAL; hereditary breast carcinoma. Identifiers: Orphanet 227535, MedGen C0346153, MONDO:0016419, OMIM 114480. Disease mechanism: loss of function.
Fanconi anemia complementation group J. Also called: BRIP1-Related Fanconi Anemia. Identifiers: Orphanet 84, MedGen C1836860, MONDO:0012187, OMIM 609054.

Allele frequency attached by ClinVar (database versions not stated): TOPMed below 0.00001.

Submissions (2):

Labcorp Genetics (formerly Invitae), Labcorp
Classification: Likely benign for Familial cancer of breast; Fanconi anemia complementation group J. Last evaluated: 2023-02-03. Review status: criteria provided, single submitter. Criteria: Invitae Variant Classification Sherloc (09022015). Collection method: clinical testing. Allele origin: germline.

PreventionGenetics, part of Exact Sciences
Classification: Likely benign for BRIP1-related condition. Last evaluated: 2022-04-11. Review status: no assertion criteria provided. Collection method: clinical testing. Allele origin: germline. Not counted in ClinVar's aggregate classification.
Comment: This variant is classified as likely benign based on ACMG/AMP sequence variant interpretation guidelines (Richards et al. 2015 PMID: 25741868, with internal and published modifications).

NM_032043.3(BRIP1):c.1474-9T>G

Gene: BRIP1 (BRCA1 interacting DNA helicase 1; minus strand). Cytogenetic location: 17q23.2.
Variant type: single nucleotide variant.
Coding change: c.1474-9T>G on transcript NM_032043.3 (MANE Select); 9 bases into the intron before coding-DNA position 1474, T replaced by G.
Molecular consequence: intron variant.
Genome position (GRCh38, 1-based): chr17:61,784,433, A>C on the plus strand (T>G on the coding strand, the complement: BRIP1 is on the minus strand). VCF-style: chr17-61784433-A-C. GRCh37 (hg19) VCF-style: chr17-59861794-A-C.
Identifiers: ClinVar variation 215947 (VCV000215947.14), dbSNP rs863224432, ClinGen allele CA337760.